The following is an entry in ClinVar:

ClinVar aggregate classification (germline): Uncertain significance (1 of 4 stars; one submission).

gnomAD v4.1: 2 of 1,613,972 alleles (0.00012%); highest among the groups gnomAD compares: Admixed American, 0.0017%; no homozygotes.

Submission:

Labcorp Genetics (formerly Invitae), Labcorp
Classification: Uncertain significance. Last evaluated: 2025-02-18. Review status: criteria provided, single submitter. Criteria: Invitae Variant Classification Sherloc (09022015). Collection method: clinical testing. Allele origin: germline.
Comment: This sequence change replaces proline, which is neutral and non-polar, with leucine, which is neutral and non-polar, at codon 224 of the TNRC6B protein (p.Pro224Leu). This variant is present in population databases (rs777385828, gnomAD 0.003%). This variant has not been reported in the literature in individuals affected with TNRC6B-related conditions. An algorithm developed to predict the effect of missense changes on protein structure and function (PolyPhen-2) suggests that this variant is likely to be tolerated. In summary, the available evidence is currently insufficient to determine the role of this variant in disease. Therefore, it has been classified as a Variant of Uncertain Significance.

NM_001162501.2(TNRC6B):c.671C>T (p.Pro224Leu)

Gene: TNRC6B (trinucleotide repeat containing adaptor 6B; plus strand). Cytogenetic location: 22q13.1.
Variant type: single nucleotide variant.
Coding change: c.671C>T on transcript NM_001162501.2 (MANE Select); coding-DNA position 671, C replaced by T.
Protein change: p.Pro224Leu; replaces proline 224 with leucine.
Molecular consequence: missense variant. On other transcripts: intron variant (1).
Genome position (GRCh38, 1-based): chr22:40,264,901, C>T. VCF-style: chr22-40264901-C-T. GRCh37 (hg19) VCF-style: chr22-40660905-C-T.
Other names: c.671C>T, p.Pro224Leu (NM_015088.3); c.565+2728C>T (NM_001024843.2); short protein forms P224L.
Identifiers: ClinVar variation 3660659 (VCV003660659.2).
Genomic context (GRCh38, chr22:40,264,901, plus strand): 5'-CCAGCAAAGACACTGAATCTTCTTCCGAAAACACCACCGATAACAACAGTGCCTCGAACC[C>T]TGGCTCTGAGAAGAGCACTCTGCCAGGAAGCACCACTAGTAACAAAGGAAAAGGGAGCCA-3'
Protein context (NP_001155973.1, residues 214-234): NTTDNNSASN[Pro224Leu]GSEKSTLPGS